The following is an entry in ClinVar:

NM_017671.5(FERMT1):c.1153C>T (p.Leu385=)

Gene: FERMT1 (FERM domain containing kindlin 1; minus strand). Cytogenetic location: 20p12.3.
Variant type: single nucleotide variant.
Coding change: c.1153C>T on transcript NM_017671.5 (MANE Select); coding-DNA position 1153, C replaced by T.
Protein change: p.Leu385=; no amino-acid change (leucine 385 retained).
Molecular consequence: synonymous variant.
Genome position (GRCh38, 1-based): chr20:6,089,076, G>A on the plus strand (C>T on the coding strand, the complement: FERMT1 is on the minus strand). VCF-style: chr20-6089076-G-A. GRCh37 (hg19) VCF-style: chr20-6069723-G-A.
Other names: p.Leu385=.
Identifiers: ClinVar variation 339218 (VCV000339218.17), dbSNP rs35413391, ClinGen allele CA9758221.

ClinVar aggregate classification (germline): Benign. Review status: criteria provided, multiple submitters, no conflicts (2 of 4 stars). 5 submissions from 5 submitters: Benign (5). Last evaluated 2026-02-04.

Conditions:
Kindler syndrome (KNDLRS). Also called: BULLOUS ACROKERATOTIC POIKILODERMA OF KINDLER AND WEARY; POIKILODERMA, CONGENITAL, WITH BULLAE, WEARY TYPE; POIKILODERMA, HEREDITARY ACROKERATOTIC; Hereditary acrokeratotic poikiloderma of Weary; Poikiloderma of Kindler; Congenital bullous poikiloderma. Identifiers: Orphanet 2908, Orphanet 306539, MedGen C0406557, MONDO:0008260, OMIM 173650.

Allele frequency attached by ClinVar (database versions not stated): 1000 Genomes Project 0.03175; 1000 Genomes Project 30x 0.03326; gnomAD 0.05128 and 0.05264; ExAC 0.05306; TOPMed 0.05330; gnomAD exomes 0.05448 and 0.06487; ESP Exome Variant Server 0.05559.
gnomAD v4.1: 102,676 of 1,611,206 alleles (6.4%); highest among the groups gnomAD compares: Middle Eastern, 12%; 3,772 homozygotes.

Submissions (5):

Labcorp Genetics (formerly Invitae), Labcorp
Classification: Benign. Last evaluated: 2026-02-04. Review status: criteria provided, single submitter. Criteria: Invitae Variant Classification Sherloc (09022015). Collection method: clinical testing. Allele origin: germline.

Mayo Clinic Laboratories, Mayo Clinic
Classification: Benign. Last evaluated: 2022-09-06. Review status: criteria provided, single submitter. Criteria: ACMG Guidelines, 2015. Collection method: clinical testing. Allele origin: germline. Observed: 21 variant alleles.

GeneDx
Classification: Benign. Last evaluated: 2018-11-11. Review status: criteria provided, single submitter. Criteria: GeneDx Variant Classification Process June 2021. Collection method: clinical testing. Allele origin: germline. Affected: yes.

Illumina Laboratory Services, Illumina
Classification: Benign for Kindler syndrome. Last evaluated: 2018-01-13. Review status: criteria provided, single submitter. Criteria: ICSL Variant Classification Criteria 13 December 2019. Collection method: clinical testing. Allele origin: germline.
Comment: This variant was observed in the ICSL laboratory as part of a predisposition screen in an ostensibly healthy population. It had not been previously curated by ICSL or reported in the Human Gene Mutation Database (HGMD: prior to June 1st, 2018), and was therefore a candidate for classification through an automated scoring system. Utilizing variant allele frequency, disease prevalence and penetrance estimates, and inheritance mode, an automated score was calculated to assess if this variant is too frequent to cause the disease. Based on the score and internal cut-off values, a variant classified as benign is not then subjected to further curation. The score for this variant resulted in a classification of benign for this disease.

Breakthrough Genomics
Classification: Benign. Review status: criteria provided, single submitter. Criteria: ACMG Guidelines, 2015. Collection method: not provided. Allele origin: germline. Inheritance: Autosomal recessive inheritance. Affected: yes.